The following is an entry in ClinVar:

NM_006755.2(TALDO1):c.981A>G (p.Thr327=)

Gene: TALDO1 (transaldolase 1; plus strand). Cytogenetic location: 11p15.5.
Variant type: single nucleotide variant.
Coding change: c.981A>G on transcript NM_006755.2 (MANE Select); coding-DNA position 981, A replaced by G.
Protein change: p.Thr327=; no amino-acid change (threonine 327 retained).
Molecular consequence: synonymous variant.
Genome position (GRCh38, 1-based): chr11:764,433, A>G. VCF-style: chr11-764433-A-G. GRCh37 (hg19) VCF-style: chr11-764433-A-G.
Identifiers: ClinVar variation 3031338 (VCV003031338.2), dbSNP rs375695395, ClinGen allele CA5788371.

ClinVar aggregate classification (germline): Likely benign (0 of 4 stars; one submission).

Conditions:
TALDO1-related disorder. Also called: TALDO1-related condition.

Allele frequency attached by ClinVar (database versions not stated): gnomAD exomes 0.00001; ExAC 0.00002; gnomAD 0.00003; TOPMed 0.00005; ESP Exome Variant Server 0.00008.
gnomAD v4.1: 15 of 1,609,850 alleles (0.00093%); highest among the groups gnomAD compares: African/African-American, 0.0067%; no homozygotes.

Submission:

PreventionGenetics, part of Exact Sciences
Classification: Likely benign for TALDO1-related condition. Last evaluated: 2022-02-15. Review status: no assertion criteria provided. Collection method: clinical testing. Allele origin: germline.
Comment: This variant is classified as likely benign based on ACMG/AMP sequence variant interpretation guidelines (Richards et al. 2015 PMID: 25741868, with internal and published modifications).